The following is an entry in ClinVar:

NM_001371623.1(TCOF1):c.4036C>T (p.Arg1346Cys)

Gene: TCOF1 (treacle ribosome biogenesis factor 1; plus strand). Cytogenetic location: 5q32.
Variant type: single nucleotide variant.
Coding change: c.4036C>T on transcript NM_001371623.1 (MANE Select); coding-DNA position 4036, C replaced by T.
Protein change: p.Arg1346Cys; replaces arginine 1346 with cysteine.
Molecular consequence: missense variant.
Genome position (GRCh38, 1-based): chr5:150,396,533, C>T. VCF-style: chr5-150396533-C-T. GRCh37 (hg19) VCF-style: chr5-149776096-C-T.
Other names: c.3802C>T, p.Arg1268Cys (NM_000356.4); c.4033C>T, p.Arg1345Cys (NM_001135243.2); c.3922C>T, p.Arg1308Cys (NM_001135244.2); c.3805C>T, p.Arg1269Cys (NM_001135245.2); c.3919C>T, p.Arg1307Cys (NM_001195141.2); short protein forms R1307C, R1346C, R1268C, R1345C, R1269C, R1308C.
Identifiers: ClinVar variation 2403375 (VCV002403375.7), dbSNP rs781234452, ClinGen allele CA129108924.

ClinVar aggregate classification (germline): Uncertain significance. Review status: criteria provided, multiple submitters, no conflicts (2 of 4 stars). 3 submissions from 3 submitters: Uncertain significance (3). Last evaluated 2026-01-23.

Conditions:
Inborn genetic diseases. Identifiers: MedGen C0950123, MeSH D030342.
Treacher Collins syndrome 1 (TCS1). Also called: TCOF1-Related Treacher Collins Syndrome. Identifiers: Orphanet 861, MedGen CN315775, MONDO:0007944, OMIM 154500.

gnomAD v4.1: 26 of 1,603,528 alleles (0.0016%); highest among the groups gnomAD compares: Admixed American, 0.019%; no homozygotes.

Submissions (3):

GeneDx
Classification: Uncertain significance. Last evaluated: 2026-01-23. Review status: criteria provided, single submitter. Criteria: GeneDx Variant Classification Process June 2021. Collection method: clinical testing. Allele origin: germline.
Comment: In silico analysis supports that this missense variant has a deleterious effect on protein structure/function; Has not been previously published as pathogenic or benign to our knowledge

Labcorp Genetics (formerly Invitae), Labcorp
Classification: Uncertain significance for Treacher Collins syndrome 1. Last evaluated: 2023-03-26. Review status: criteria provided, single submitter. Criteria: Invitae Variant Classification Sherloc (09022015). Collection method: clinical testing. Allele origin: germline.
Comment: This sequence change replaces arginine, which is basic and polar, with cysteine, which is neutral and slightly polar, at codon 1345 of the TCOF1 protein (p.Arg1345Cys). ClinVar contains an entry for this variant (Variation ID: 2403375). An algorithm developed to predict the effect of missense changes on protein structure and function (PolyPhen-2) suggests that this variant is likely to be disruptive. In summary, the available evidence is currently insufficient to determine the role of this variant in disease. Therefore, it has been classified as a Variant of Uncertain Significance. This variant is present in population databases (no rsID available, gnomAD 0.03%). This variant has not been reported in the literature in individuals affected with TCOF1-related conditions.

Ambry Genetics
Classification: Uncertain significance for Inborn genetic diseases. Last evaluated: 2022-07-12. Review status: criteria provided, single submitter. Criteria: Ambry Variant Classification Scheme 2023. Collection method: clinical testing. Allele origin: germline.